The following is an entry in ClinVar:

NM_003995.4(NPR2):c.2377G>A (p.Gly793Ser)

Gene: NPR2 (natriuretic peptide receptor 2; plus strand). Cytogenetic location: 9p13.3.
Variant type: single nucleotide variant.
Coding change: c.2377G>A on transcript NM_003995.4 (MANE Select); coding-DNA position 2377, G replaced by A.
Protein change: p.Gly793Ser; replaces glycine 793 with serine.
Molecular consequence: missense variant.
Genome position (GRCh38, 1-based): chr9:35,806,396, G>A. VCF-style: chr9-35806396-G-A. GRCh37 (hg19) VCF-style: chr9-35806393-G-A.
Other names: c.2386G>A, p.Gly796Ser (NM_001378923.1); short protein forms G793S, G796S.
Identifiers: ClinVar variation 2098189 (VCV002098189.4), dbSNP rs2491063587, ClinGen allele CA373379563.

ClinVar aggregate classification (germline): Uncertain significance (1 of 4 stars; one submission).

Conditions:
Acromesomelic dysplasia 1, Maroteaux type (AMD1). Also called: ST. HELENA DYSPLASIA; ACROMESOMELIC DYSPLASIA 1. Identifiers: Orphanet 40, MedGen C1864356, MONDO:0011275, OMIM 602875.
Tall stature-scoliosis-macrodactyly of the great toes syndrome. Also called: Epiphyseal chondrodysplasia, miura type. Identifiers: Orphanet 329191, MedGen C4014690, MONDO:0014401, OMIM 615923.

Submission:

Labcorp Genetics (formerly Invitae), Labcorp
Classification: Uncertain significance for Tall stature-scoliosis-macrodactyly of the great toes syndrome; Acromesomelic dysplasia 1, Maroteaux type. Last evaluated: 2022-05-22. Review status: criteria provided, single submitter. Criteria: Invitae Variant Classification Sherloc (09022015). Collection method: clinical testing. Allele origin: germline.
Comment: This sequence change replaces glycine, which is neutral and non-polar, with serine, which is neutral and polar, at codon 793 of the NPR2 protein (p.Gly793Ser). This variant is not present in population databases (gnomAD no frequency). Algorithms developed to predict the effect of missense changes on protein structure and function (SIFT, PolyPhen-2, Align-GVGD) all suggest that this variant is likely to be tolerated. In summary, the available evidence is currently insufficient to determine the role of this variant in disease. Therefore, it has been classified as a Variant of Uncertain Significance. This variant has not been reported in the literature in individuals affected with NPR2-related conditions.